The following is an entry in ClinVar:

NM_005477.3(HCN4):c.3340G>C (p.Ala1114Pro)

Gene: HCN4 (hyperpolarization activated cyclic nucleotide gated potassium channel 4; minus strand). Cytogenetic location: 15q24.1.
Variant type: single nucleotide variant.
Coding change: c.3340G>C on transcript NM_005477.3 (MANE Select); coding-DNA position 3340, G replaced by C.
Protein change: p.Ala1114Pro; replaces alanine 1114 with proline.
Molecular consequence: missense variant.
Genome position (GRCh38, 1-based): chr15:73,322,753, C>G on the plus strand (G>C on the coding strand, the complement: HCN4 is on the minus strand). VCF-style: chr15-73322753-C-G. GRCh37 (hg19) VCF-style: chr15-73615094-C-G.
Other names: short protein forms A1114P.
Identifiers: ClinVar variation 1364821 (VCV001364821.8), dbSNP rs2151213889, ClinGen allele CA393085537.

ClinVar aggregate classification (germline): Uncertain significance (1 of 4 stars; one submission).

Conditions:
Brugada syndrome 8 (BRGDA8). Identifiers: Orphanet 130, MedGen C2751083, MONDO:0013148, OMIM 613123.

Submission:

Labcorp Genetics (formerly Invitae), Labcorp
Classification: Uncertain significance for Brugada syndrome 8. Last evaluated: 2023-11-27. Review status: criteria provided, single submitter. Criteria: Invitae Variant Classification Sherloc (09022015). Collection method: clinical testing. Allele origin: germline.
Comment: This sequence change replaces alanine, which is neutral and non-polar, with proline, which is neutral and non-polar, at codon 1114 of the HCN4 protein (p.Ala1114Pro). This variant is not present in population databases (gnomAD no frequency). This variant has not been reported in the literature in individuals affected with HCN4-related conditions. ClinVar contains an entry for this variant (Variation ID: 1364821). Advanced modeling of protein sequence and biophysical properties (such as structural, functional, and spatial information, amino acid conservation, physicochemical variation, residue mobility, and thermodynamic stability) performed at Invitae indicates that this missense variant is not expected to disrupt HCN4 protein function with a negative predictive value of 95%. In summary, the available evidence is currently insufficient to determine the role of this variant in disease. Therefore, it has been classified as a Variant of Uncertain Significance.